The following is an entry in ClinVar:

ClinVar aggregate classification (germline): Uncertain significance (1 of 4 stars; one submission).

Conditions:
Seizures, benign familial infantile, 3 (BFIS3). Also called: Familial neonatal seizures; CONVULSIONS, BENIGN FAMILIAL INFANTILE, 3. Identifiers: Orphanet 140927, Orphanet 306, MedGen C1843140, MONDO:0011904, OMIM 607745.
Developmental and epileptic encephalopathy, 11 (DEE11). Also called: Early infantile epileptic encephalopathy 11. Identifiers: Orphanet 1934, MedGen C3150987, MONDO:0013388, OMIM 613721.

Allele frequency attached by ClinVar (database versions not stated): gnomAD exomes below 0.00001.
gnomAD v4.1: 1 of 1,614,156 alleles (0.000062%); highest among the groups gnomAD compares: African/African-American, 0.0013%; no homozygotes.

Submission:

Labcorp Genetics (formerly Invitae), Labcorp
Classification: Uncertain significance for Seizures, benign familial infantile, 3; Developmental and epileptic encephalopathy, 11. Last evaluated: 2024-03-07. Review status: criteria provided, single submitter. Criteria: Invitae Variant Classification Sherloc (09022015). Collection method: clinical testing. Allele origin: germline.
Comment: This sequence change replaces lysine, which is basic and polar, with arginine, which is basic and polar, at codon 60 of the SCN2A protein (p.Lys60Arg). This variant is not present in population databases (gnomAD no frequency). This variant has not been reported in the literature in individuals affected with SCN2A-related conditions. ClinVar contains an entry for this variant (Variation ID: 1005102). Advanced modeling of protein sequence and biophysical properties (such as structural, functional, and spatial information, amino acid conservation, physicochemical variation, residue mobility, and thermodynamic stability) performed at Invitae indicates that this missense variant is expected to disrupt SCN2A protein function with a positive predictive value of 95%. In summary, the available evidence is currently insufficient to determine the role of this variant in disease. Therefore, it has been classified as a Variant of Uncertain Significance.

NM_001040142.2(SCN2A):c.179A>G (p.Lys60Arg)

Gene: SCN2A (sodium voltage-gated channel alpha subunit 2; plus strand). Cytogenetic location: 2q24.3.
Variant type: single nucleotide variant.
Coding change: c.179A>G on transcript NM_001040142.2 (MANE Select); coding-DNA position 179, A replaced by G.
Protein change: p.Lys60Arg; replaces lysine 60 with arginine.
Molecular consequence: missense variant.
Genome position (GRCh38, 1-based): chr2:165,296,002, A>G. VCF-style: chr2-165296002-A-G. GRCh37 (hg19) VCF-style: chr2-166152512-A-G.
Other names: c.179A>G, p.Lys60Arg (NM_001040143.2, NM_001371246.1, NM_001371247.1 and 1 more transcripts); short protein forms K60R.
Identifiers: ClinVar variation 1005102 (VCV001005102.6), dbSNP rs1696487020, ClinGen allele CA349010363.